The following is an entry in ClinVar:

NM_000548.5(TSC2):c.4383C>A (p.Tyr1461Ter)

Gene: TSC2 (TSC complex subunit 2; plus strand). Cytogenetic location: 16p13.3.
Variant type: single nucleotide variant.
Coding change: c.4383C>A on transcript NM_000548.5 (MANE Select); coding-DNA position 4383, C replaced by A.
Protein change: p.Tyr1461Ter; replaces tyrosine 1461 with a stop codon.
Molecular consequence: nonsense. On other transcripts: non-coding transcript variant (5).
Genome position (GRCh38, 1-based): chr16:2,084,605, C>A. VCF-style: chr16-2084605-C-A. GRCh37 (hg19) VCF-style: chr16-2134606-C-A.
Other names: c.3582C>A, p.Tyr1194Ter (NM_001406687.1, NM_001406688.1); c.2970C>A, p.Tyr990Ter (NM_001406689.1); c.2910C>A, p.Tyr970Ter (NM_001406690.1); c.2907C>A, p.Tyr969Ter (NM_001406691.1); c.2841C>A, p.Tyr947Ter (NM_001406692.1, NM_001406693.1, NM_001406694.1); c.2838C>A, p.Tyr946Ter (NM_001406695.1, NM_001406696.1, NM_001406697.1); c.4182C>A, p.Tyr1394Ter (NM_001077183.3); c.4314C>A, p.Tyr1438Ter (NM_001114382.3); and 26 more; short protein forms Y1194*, Y1195*, Y1217*, Y1237*, Y1238*, Y1241*, Y1261*, Y1345*.
Identifiers: ClinVar variation 4082535 (VCV004082535.2).

ClinVar aggregate classification (germline): Likely pathogenic (1 of 4 stars; one submission).

Submission:

Genetic Services Laboratory, University of Chicago
Classification: Likely pathogenic. Last evaluated: 2024-08-19. Review status: criteria provided, single submitter. Criteria: ACMG Guidelines, 2015. Collection method: clinical testing. Allele origin: germline. Affected: yes.
Comment: DNA sequence analysis of the TSC2 gene demonstrated a sequence change, c.4383C>A, which results in the creation of a premature stop codon at amino acid position 1461, p.Tyr1461*. This sequence change is predicted to result in an abnormal transcript, which may be degraded, or may lead to the production of a truncated TSC2 protein with potentially abnormal function. This sequence change has not been described in the population databases such as ExAC and gnomAD. While this variant has not previously been described in the literature, other loss of function variants in the TSC2 gene have been described in several individuals with TSC2-related disorders (PMID: 10205261, 29478616). Based on these collective evidences, this sequence change is classified as likely pathogenic.